The following is an entry in ClinVar:

ClinVar aggregate classification (germline): Conflicting classifications of pathogenicity. Review status: criteria provided, conflicting classifications (1 of 4 stars). 5 submissions from 5 submitters: Uncertain significance (1); Likely benign (3). 1 of the submissions does not count toward it. Last evaluated 2026-01-26.

Conditions:
HYAL1-related disorder. Also called: HYAL1-related condition.
Deficiency of hyaluronoglucosaminidase (MPS9). Also called: Mucopolysaccharidosis type 9; MPS IX; HYALURONIDASE DEFICIENCY. Identifiers: Orphanet 67041, MedGen C1291490, MONDO:0011093, OMIM 601492.

Allele frequency attached by ClinVar (database versions not stated): ESP Exome Variant Server 0.00008; gnomAD exomes 0.00011; ExAC 0.00016; gnomAD 0.00016; TOPMed 0.00026.

Submissions (5):

Labcorp Genetics (formerly Invitae), Labcorp
Classification: Likely benign for Deficiency of hyaluronoglucosaminidase. Last evaluated: 2026-01-26. Review status: criteria provided, single submitter. Criteria: Invitae Variant Classification Sherloc (09022015). Collection method: clinical testing. Allele origin: germline.

PreventionGenetics, part of Exact Sciences
Classification: Likely benign for HYAL1-related condition. Last evaluated: 2024-12-20. Review status: criteria provided, single submitter. Criteria: ACMG Guidelines, 2015. Collection method: clinical testing. Allele origin: germline.
Comment: This variant is classified as likely benign based on ACMG/AMP sequence variant interpretation guidelines (Richards et al. 2015 PMID: 25741868, with internal and published modifications).

Blueprint Genetics
Classification: Likely benign. Last evaluated: 2024-10-31. Review status: criteria provided, single submitter. Criteria: ACMG Guidelines, 2015. Collection method: clinical testing. Allele origin: germline.

Eurofins Ntd Llc (ga)
Classification: Uncertain significance. Last evaluated: 2017-12-07. Review status: criteria provided, single submitter. Criteria: EGL Classification Definitions 2015. Collection method: clinical testing. Allele origin: germline. Observed: 1 variant allele, 1 heterozygote.

Natera, Inc.
Classification: Likely benign for Mucopolysaccharidosis type IX. Last evaluated: 2019-12-24. Review status: no assertion criteria provided. Collection method: clinical testing. Allele origin: germline. Not counted in ClinVar's aggregate classification.

NM_033159.4(HYAL1):c.600C>A (p.Gly200=)

Gene: HYAL1 (hyaluronidase 1; minus strand). Cytogenetic location: 3p21.31.
Variant type: single nucleotide variant.
Coding change: c.600C>A on transcript NM_033159.4 (MANE Select); coding-DNA position 600, C replaced by A.
Protein change: p.Gly200=; no amino-acid change (glycine 200 retained).
Molecular consequence: synonymous variant. On other transcripts: non-coding transcript variant (1), intron variant (1).
Genome position (GRCh38, 1-based): chr3:50,302,357, G>T on the plus strand (C>A on the coding strand, the complement: HYAL1 is on the minus strand). VCF-style: chr3-50302357-G-T. GRCh37 (hg19) VCF-style: chr3-50339788-G-T.
Other names: c.600C>A, p.Gly200= (NM_153281.2, NM_153282.3); c.54C>A, p.Gly18= (NM_153283.3); c.-26-152C>A (NM_153285.3).
Identifiers: ClinVar variation 595051 (VCV000595051.17), dbSNP rs374928005, ClinGen allele CA2415908.